The following is an entry in ClinVar:

NM_000612.6(IGF2):c.509del (p.Gly170fs)

Genes: IGF2 (insulin like growth factor 2; minus strand), INS-IGF2 (INS-IGF2 readthrough; minus strand). Cytogenetic location: 11p15.5.
Variant type: Deletion.
Coding change: c.509del on transcript NM_000612.6 (MANE Select); coding-DNA position 509, one base deleted (G; older notation c.509delG).
Protein change: p.Gly170fs; shifts the reading frame from glycine 170.
Molecular consequence: frameshift variant. On other transcripts: non-coding transcript variant (1).
Genome position (GRCh38, 1-based): chr11:2,133,021, C deleted on the plus strand (G on the coding strand, the reverse complement: IGF2 is on the minus strand); the first of 5 consecutive C bases (chr11:2,133,021-2,133,025); deleting any one gives the same sequence. VCF-style (leftmost placement, unchanged base first): chr11-2133020-GC-G. GRCh37 (hg19) VCF-style: chr11-2154250-GC-G.
Other names: c.509delG (NM_000612.6); c.509del, p.Gly170fs (NM_001007139.6, NM_001291861.3, NM_001291862.3); c.677del, p.Gly226fs (NM_001127598.3); short protein forms G170fs, G226fs.
Identifiers: ClinVar variation 3068899 (VCV003068899.2), dbSNP rs2495570232, ClinGen allele CA472413994.

ClinVar aggregate classification (germline): Uncertain significance (1 of 4 stars; one submission).

Submission:

Women's Health and Genetics/Laboratory Corporation of America, LabCorp
Classification: Uncertain significance. Last evaluated: 2024-02-19. Review status: criteria provided, single submitter. Criteria: LabCorp Variant Classification Summary - May 2015. Collection method: clinical testing. Allele origin: germline.
Comment: Variant summary: IGF2 c.509delG (p.Gly170AlafsX30) causes a frameshift which results in an extension of the protein. The variant was absent in 1552772 control chromosomes (gnomAD v4.0). The available data on variant occurrences in the general population are insufficient to allow any conclusion about variant significance. To our knowledge, no occurrence of c.509delG in individuals affected with Silver-Russell Syndrome 1 and no experimental evidence demonstrating its impact on protein function have been reported. No submitters have cited clinical-significance assessments for this variant to ClinVar. Based on the evidence outlined above, the variant was classified as uncertain significance.